The following is an entry in ClinVar:

ClinVar aggregate classification (germline): Uncertain significance (1 of 4 stars; one submission).

Conditions:
Autosomal dominant nocturnal frontal lobe epilepsy 5. Also called: Epilepsy, nocturnal frontal lobe, 5; CILIARY DYSKINESIA, PRIMARY, 28, WITH SITUS INVERSUS; KCNT1-Related Epilepsy; CILIARY DYSKINESIA, PRIMARY, 28, WITHOUT SITUS INVERSUS. Identifiers: Orphanet 98784, MedGen C3554306, MONDO:0014002, OMIM 615005.
Developmental and epileptic encephalopathy, 14 (DEE14). Also called: Early infantile epileptic encephalopathy 14. Identifiers: Orphanet 293181, MedGen C3554195, MONDO:0013989, OMIM 614959.

Allele frequency attached by ClinVar (database versions not stated): gnomAD exomes below 0.00001; TOPMed below 0.00001; gnomAD 0.00001.
gnomAD v4.1: 7 of 1,610,476 alleles (0.00043%); highest among the groups gnomAD compares: East Asian, 0.016%; no homozygotes.

Submission:

Labcorp Genetics (formerly Invitae), Labcorp
Classification: Uncertain significance for Autosomal dominant nocturnal frontal lobe epilepsy 5; Developmental and epileptic encephalopathy, 14. Last evaluated: 2022-02-04. Review status: criteria provided, single submitter. Criteria: Invitae Variant Classification Sherloc (09022015). Collection method: clinical testing. Allele origin: germline.
Comment: In summary, the available evidence is currently insufficient to determine the role of this variant in disease. Therefore, it has been classified as a Variant of Uncertain Significance. Algorithms developed to predict the effect of sequence changes on RNA splicing suggest that this variant may create or strengthen a splice site. Advanced modeling of protein sequence and biophysical properties (such as structural, functional, and spatial information, amino acid conservation, physicochemical variation, residue mobility, and thermodynamic stability) performed at Invitae indicates that this missense variant is not expected to disrupt KCNT1 protein function. ClinVar contains an entry for this variant (Variation ID: 963678). This variant has not been reported in the literature in individuals affected with KCNT1-related conditions. This variant is present in population databases (no rsID available, gnomAD 0.06%). This sequence change replaces lysine, which is basic and polar, with arginine, which is basic and polar, at codon 589 of the KCNT1 protein (p.Lys589Arg).

NM_020822.3(KCNT1):c.1766A>G (p.Lys589Arg)

Gene: KCNT1 (potassium sodium-activated channel subfamily T member 1; plus strand). Cytogenetic location: 9q34.3.
Variant type: single nucleotide variant.
Coding change: c.1766A>G on transcript NM_020822.3 (MANE Select); coding-DNA position 1766, A replaced by G.
Protein change: p.Lys589Arg; replaces lysine 589 with arginine.
Molecular consequence: missense variant.
Genome position (GRCh38, 1-based): chr9:135,770,444, A>G. VCF-style: chr9-135770444-A-G. GRCh37 (hg19) VCF-style: chr9-138662290-A-G.
Other names: c.1631A>G, p.Lys544Arg (NM_001272003.2); short protein forms K589R, K544R.
Identifiers: ClinVar variation 963678 (VCV000963678.10), dbSNP rs1217094996, ClinGen allele CA375506880.